The following is an entry in ClinVar:

ClinVar aggregate classification (germline): Pathogenic (1 of 4 stars; one submission).

Conditions:
Glycogen storage disease IV, classic hepatic. Also called: GSD IV, CLASSIC HEPATIC. Identifiers: MedGen C1856301.
Glycogen storage disease, type IV (GSD4). Also called: Glycogen storage disease due to glycogen branching enzyme deficiency; AMYLOPECTINOSIS; ANDERSEN DISEASE; BRANCHER DEFICIENCY; CIRRHOSIS, FAMILIAL, WITH DEPOSITION OF ABNORMAL GLYCOGEN; GBE1 DEFICIENCY. Identifiers: Orphanet 367, MedGen C0017923, MONDO:0009292, OMIM 232500.

Submission:

Labcorp Genetics (formerly Invitae), Labcorp
Classification: Pathogenic for Glycogen storage disease, type IV; Glycogen storage disease IV, classic hepatic. Last evaluated: 2021-06-03. Review status: criteria provided, single submitter. Criteria: Invitae Variant Classification Sherloc (09022015). Collection method: clinical testing. Allele origin: germline.
Comment: This sequence change creates a premature translational stop signal (p.Trp344*) in the GBE1 gene. It is expected to result in an absent or disrupted protein product. Loss-of-function variants in GBE1 are known to be pathogenic (PMID: 15452297, 20058079). This variant is not present in population databases (ExAC no frequency). This variant has not been reported in the literature in individuals with GBE1-related conditions. For these reasons, this variant has been classified as Pathogenic.

Literature cited by the submitters: PubMed 15452297; PubMed 20058079.

NM_000158.4(GBE1):c.1031G>A (p.Trp344Ter)

Gene: GBE1 (1,4-alpha-glucan branching enzyme 1; minus strand). Cytogenetic location: 3p12.2.
Variant type: single nucleotide variant.
Coding change: c.1031G>A on transcript NM_000158.4 (MANE Select); coding-DNA position 1031, G replaced by A.
Protein change: p.Trp344Ter; replaces tryptophan 344 with a stop codon.
Molecular consequence: nonsense.
Genome position (GRCh38, 1-based): chr3:81,593,985, C>T on the plus strand (G>A on the coding strand, the complement: GBE1 is on the minus strand). VCF-style: chr3-81593985-C-T. GRCh37 (hg19) VCF-style: chr3-81643136-C-T.
Other names: short protein forms W344*.
Identifiers: ClinVar variation 1454918 (VCV001454918.6), dbSNP rs773381709, ClinGen allele CA353685887.